The following is an entry in ClinVar:

GRCh37/hg19 12q24.32-24.33(chr12:129014884-129818338)x3

Genes: TMEM132C (transmembrane protein 132C; plus strand), GLT1D1 (glycosyltransferase 1 domain containing 1; plus strand), SLC15A4 (solute carrier family 15 member 4; minus strand), TMEM132D (transmembrane protein 132D; minus strand). Cytogenetic location: 12q24.32-24.33.
Variant type: copy number gain.
Change: copy number 3 (three copies instead of two) of chr12:129,014,884-129,818,338 (803.5 kb, GRCh37 coordinates, 1-based), cytogenetic band 12q24.32-24.33.
Identifiers: ClinVar variation 816505 (VCV000816505.2).

ClinVar aggregate classification (germline): Uncertain significance (1 of 4 stars; one submission).

Submission:

Clinical Genomics Laboratory, Laboratory for Precision Diagnostics, University of Washington
Classification: Uncertain significance. Last evaluated: 2018-02-22. Review status: criteria provided, single submitter. Criteria: Clinical Cytogenomics Laboratory Policy on CNV Interpretation. Collection method: clinical testing. Allele origin: unknown. Affected: yes. Observed: 1 variant allele.